The following is an entry in ClinVar:

ClinVar aggregate classification (germline): Uncertain significance (1 of 4 stars; one submission).

Submission:

Labcorp Genetics (formerly Invitae), Labcorp
Classification: Uncertain significance. Last evaluated: 2022-06-14. Review status: criteria provided, single submitter. Criteria: Invitae Variant Classification Sherloc (09022015). Collection method: clinical testing. Allele origin: germline.
Comment: This sequence change replaces glutamine, which is neutral and polar, with glutamic acid, which is acidic and polar, at codon 221 of the SLC25A32 protein (p.Gln221Glu). This variant is not present in population databases (gnomAD no frequency). This variant has not been reported in the literature in individuals affected with SLC25A32-related conditions. Algorithms developed to predict the effect of missense changes on protein structure and function (SIFT, PolyPhen-2, Align-GVGD) all suggest that this variant is likely to be tolerated. In summary, the available evidence is currently insufficient to determine the role of this variant in disease. Therefore, it has been classified as a Variant of Uncertain Significance.

NM_030780.5(SLC25A32):c.661C>G (p.Gln221Glu)

Gene: SLC25A32 (solute carrier family 25 member 32; minus strand). Cytogenetic location: 8q22.3.
Variant type: single nucleotide variant.
Coding change: c.661C>G on transcript NM_030780.5 (MANE Select); coding-DNA position 661, C replaced by G.
Protein change: p.Gln221Glu; replaces glutamine 221 with glutamic acid.
Molecular consequence: missense variant. On other transcripts: non-coding transcript variant (2).
Genome position (GRCh38, 1-based): chr8:103,401,946, G>C on the plus strand (C>G on the coding strand, the complement: SLC25A32 is on the minus strand). VCF-style: chr8-103401946-G-C. GRCh37 (hg19) VCF-style: chr8-104414174-G-C.
Other names: short protein forms Q221E.
Identifiers: ClinVar variation 2006436 (VCV002006436.4), dbSNP rs2488189673, ClinGen allele CA371622951.